The following is an entry in ClinVar:

ClinVar aggregate classification (germline): Uncertain significance (1 of 4 stars; one submission).

Conditions:
Welander distal myopathy (WDM). Also called: Gower's muscular dystrophy; MUSCULAR DYSTROPHY, DISTAL, LATE-ONSET, AUTOSOMAL DOMINANT; Welander distal myopathy, Swedish type; Distal myopathy, Swedish type. Identifiers: Orphanet 603, MedGen C0221054, MONDO:0011466, OMIM 604454.

gnomAD v4.1: 2 of 1,612,974 alleles (0.00012%); highest among the groups gnomAD compares: Non-Finnish European, 0.00017%; no homozygotes.

Submission:

Labcorp Genetics (formerly Invitae), Labcorp
Classification: Uncertain significance for Welander distal myopathy. Last evaluated: 2025-11-03. Review status: criteria provided, single submitter. Criteria: Invitae Variant Classification Sherloc (09022015). Collection method: clinical testing. Allele origin: germline.
Comment: This sequence change replaces histidine, which is basic and polar, with arginine, which is basic and polar, at codon 58 of the TIA1 protein (p.His58Arg). This variant is not present in population databases (gnomAD no frequency). This variant has not been reported in the literature in individuals affected with TIA1-related conditions. Invitae Evidence Modeling of protein sequence and biophysical properties (such as structural, functional, and spatial information, amino acid conservation, physicochemical variation, residue mobility, and thermodynamic stability) indicates that this missense variant is not expected to disrupt TIA1 protein function with a negative predictive value of 80%. In summary, the available evidence is currently insufficient to determine the role of this variant in disease. Therefore, it has been classified as a Variant of Uncertain Significance.

NM_022173.4(TIA1):c.173A>G (p.His58Arg)

Gene: TIA1 (TIA1 cytotoxic granule associated RNA binding protein; minus strand). Cytogenetic location: 2p13.3.
Variant type: single nucleotide variant.
Coding change: c.173A>G on transcript NM_022173.4 (MANE Select); coding-DNA position 173, A replaced by G.
Protein change: p.His58Arg; replaces histidine 58 with arginine.
Molecular consequence: missense variant. On other transcripts: 5 prime UTR variant (6), non-coding transcript variant (17).
Genome position (GRCh38, 1-based): chr2:70,230,805, T>C on the plus strand (A>G on the coding strand, the complement: TIA1 is on the minus strand). VCF-style: chr2-70230805-T-C. GRCh37 (hg19) VCF-style: chr2-70457937-T-C.
Other names: c.173A>G, p.His58Arg (NM_001351508.2, NM_001351510.2, NM_001351516.2 and 5 more transcripts); c.179A>G, p.His60Arg (NM_001351509.2, NM_001351520.2); c.62A>G, p.His21Arg (NM_001351511.1, NM_001351513.1); c.68A>G, p.His23Arg (NM_001351512.1); c.-23A>G (NM_001351514.2, NM_001351523.2); c.-217A>G (NM_001351515.2); c.-466A>G (NM_001351517.2); c.-243A>G (NM_001351524.2); and 1 more; short protein forms H23R, H21R, H60R, H58R.
Identifiers: ClinVar variation 4780916 (VCV004780916.1).